The following is an entry in ClinVar:

NM_000797.4(DRD4):c.822_831del (p.Gly275fs)

Gene: DRD4 (dopamine receptor D4; plus strand). Cytogenetic location: 11p15.5.
Variant type: Deletion.
Coding change: c.822_831del on transcript NM_000797.4 (MANE Select); coding-DNA positions 822 to 831, 10 bases deleted (CGGCCCCGAC; older notation c.822_831delCGGCCCCGAC).
Protein change: p.Gly275fs; shifts the reading frame from glycine 275.
Molecular consequence: frameshift variant.
Genome position (GRCh38, 1-based): chr11:640,071-640,080, CGGCCCCGAC deleted. VCF-style (leftmost placement, unchanged base first): chr11-640070-GCGGCCCCGAC-G. GRCh37 (hg19) VCF-style: chr11-640070-GCGGCCCCGAC-G.
Other names: short protein forms G275fs.
Identifiers: ClinVar variation 3042005 (VCV003042005.2), dbSNP rs762885973, ClinGen allele CA5785832.

ClinVar aggregate classification (germline): Likely benign (0 of 4 stars; one submission).

Conditions:
DRD4-related disorder. Also called: DRD4-related condition.

Allele frequency attached by ClinVar (database versions not stated): gnomAD 0.00510.

Submission:

PreventionGenetics, part of Exact Sciences
Classification: Likely benign for DRD4-related condition. Last evaluated: 2019-11-13. Review status: no assertion criteria provided. Collection method: clinical testing. Allele origin: germline.
Comment: This variant is classified as likely benign based on ACMG/AMP sequence variant interpretation guidelines (Richards et al. 2015 PMID: 25741868, with internal and published modifications).